The following is an entry in ClinVar:

ClinVar aggregate classification (germline): Uncertain significance. Review status: criteria provided, multiple submitters, no conflicts (2 of 4 stars). 2 submissions from 2 submitters: Uncertain significance (2). Last evaluated 2025-10-13.

Conditions:
FGFR3-related disorder. Also called: FGFR3-related disorders.

gnomAD v4.1: 5 of 1,385,566 alleles (0.00036%); highest among the groups gnomAD compares: South Asian, 0.0017%; no homozygotes.

Submissions (2):

Labcorp Genetics (formerly Invitae), Labcorp
Classification: Uncertain significance. Last evaluated: 2025-10-13. Review status: criteria provided, single submitter. Criteria: Invitae Variant Classification Sherloc (09022015). Collection method: clinical testing. Allele origin: germline.
Comment: This sequence change replaces alanine, which is neutral and non-polar, with valine, which is neutral and non-polar, at codon 18 of the FGFR3 protein (p.Ala18Val). This variant is not present in population databases (gnomAD no frequency). This variant has not been reported in the literature in individuals affected with FGFR3-related conditions. Invitae Evidence Modeling of protein sequence and biophysical properties (such as structural, functional, and spatial information, amino acid conservation, physicochemical variation, residue mobility, and thermodynamic stability) has been performed for this missense variant. However, the output from this modeling did not meet the statistical confidence thresholds required to predict the impact of this variant on FGFR3 protein function. In summary, the available evidence is currently insufficient to determine the role of this variant in disease. Therefore, it has been classified as a Variant of Uncertain Significance.

PreventionGenetics, part of Exact Sciences
Classification: Uncertain significance for FGFR3-related condition. Last evaluated: 2025-09-12. Review status: criteria provided, single submitter. Criteria: ACMG Guidelines, 2015. Collection method: clinical testing. Allele origin: germline.
Comment: The FGFR3 c.53C>T variant is predicted to result in the amino acid substitution p.Ala18Val. To our knowledge, this variant has not been reported in the literature. To our knowledge, this variant has not been reported in the literature. This variant is not reported in version 2.1.1 of gnomAD; however, the quality of this data is questionable and should be treated with caution. This variant is reported in 0.0017% of individuals with South Asian descent in version 4.1.0 of gnomAD. At this time, the clinical significance of this variant is uncertain due to the absence of conclusive functional and genetic evidence.

NM_000142.5(FGFR3):c.53C>T (p.Ala18Val)

Gene: FGFR3 (fibroblast growth factor receptor 3; plus strand). Cytogenetic location: 4p16.3.
Variant type: single nucleotide variant.
Coding change: c.53C>T on transcript NM_000142.5 (MANE Select); coding-DNA position 53, C replaced by T.
Protein change: p.Ala18Val; replaces alanine 18 with valine.
Molecular consequence: missense variant. On other transcripts: non-coding transcript variant (1).
Genome position (GRCh38, 1-based): chr4:1,793,987, C>T. VCF-style: chr4-1793987-C-T. GRCh37 (hg19) VCF-style: chr4-1795714-C-T.
Other names: c.53C>T, p.Ala18Val (NM_001163213.2, NM_001354809.2, NM_001354810.2 and 1 more transcripts); short protein forms A18V.
Identifiers: ClinVar variation 4751402 (VCV004751402.2).